The following is an entry in ClinVar:

ClinVar aggregate classification (germline): Uncertain significance (1 of 4 stars; one submission).

Conditions:
Inborn genetic diseases. Identifiers: MedGen C0950123, MeSH D030342.

Allele frequency attached by ClinVar (database versions not stated): gnomAD exomes below 0.00001.
gnomAD v4.1: 4 of 1,613,926 alleles (0.00025%); highest among the groups gnomAD compares: African/African-American, 0.0053%; no homozygotes.

Submission:

Ambry Genetics
Classification: Uncertain significance for Inborn genetic diseases. Last evaluated: 2025-01-21. Review status: criteria provided, single submitter. Criteria: Ambry Variant Classification Scheme 2023. Collection method: clinical testing. Allele origin: germline.
Comment: The c.436G>A (p.A146T) alteration is located in exon 4 (coding exon 4) of the SMARCD1 gene. This alteration results from a G to A substitution at nucleotide position 436, causing the alanine (A) at amino acid position 146 to be replaced by a threonine (T). This variant was not reported in population-based cohorts in the Genome Aggregation Database (gnomAD). This amino acid position is highly conserved in available vertebrate species. This missense alteration is located in a region that has a low rate of benign missense variation (Lek, 2016; Firth, 2009). The in silico prediction for this alteration is inconclusive. Based on insufficient or conflicting evidence, the clinical significance of this alteration remains unclear.

NM_003076.5(SMARCD1):c.436G>A (p.Ala146Thr)

Gene: SMARCD1 (SWI/SNF related BAF chromatin remodeling complex subunit D1; plus strand). Cytogenetic location: 12q13.12.
Variant type: single nucleotide variant.
Coding change: c.436G>A on transcript NM_003076.5 (MANE Select); coding-DNA position 436, G replaced by A.
Protein change: p.Ala146Thr; replaces alanine 146 with threonine.
Molecular consequence: missense variant.
Genome position (GRCh38, 1-based): chr12:50,086,783, G>A. VCF-style: chr12-50086783-G-A. GRCh37 (hg19) VCF-style: chr12-50480566-G-A.
Other names: c.436G>A, p.Ala146Thr (NM_139071.3); short protein forms A146T.
Identifiers: ClinVar variation 2274178 (VCV002274178.3), dbSNP rs141789236, ClinGen allele CA384786917.